The following is an entry in ClinVar:

NM_152564.5(VPS13B):c.2515+16609T>G

Gene: VPS13B (vacuolar protein sorting 13 homolog B; plus strand). Cytogenetic location: 8q22.2.
Variant type: single nucleotide variant.
Coding change: c.2515+16609T>G on transcript NM_152564.5 (MANE Select); 16609 bases into the intron after coding-DNA position 2515, T replaced by G.
Molecular consequence: intron variant. On other transcripts: stop lost (1).
Genome position (GRCh38, 1-based): chr8:99,209,666, T>G. VCF-style: chr8-99209666-T-G. GRCh37 (hg19) VCF-style: chr8-100221894-T-G.
Other names: *864G; c.2590T>G, p.Ter864Gly (NM_015243.3); c.2515+16609T>G (NM_017890.5); c.2590T>G (NM_015243.2).
Identifiers: ClinVar variation 553616 (VCV000553616.3), dbSNP rs1554674081, ClinGen allele CA371863773.

ClinVar aggregate classification (germline): Uncertain significance. Review status: criteria provided, single submitter (1 of 4 stars). 2 submissions from 2 submitters: Uncertain significance (1). 1 of the submissions does not count toward it. Last evaluated 2025-09-12.

Conditions:
VPS13B-related disorder. Also called: VPS13B-related condition.
Cohen syndrome (COH1). Also called: Cutis verticis gyrata, retinitis pigmentosa, and sensorineural deafness; PEPPER SYNDROME. Identifiers: Orphanet 193, MedGen C0265223, MONDO:0008999, OMIM 216550.

Submissions (2):

PreventionGenetics, part of Exact Sciences
Classification: Uncertain significance for VPS13B-related condition. Last evaluated: 2025-09-12. Review status: criteria provided, single submitter. Criteria: ACMG Guidelines, 2015. Collection method: clinical testing. Allele origin: germline.
Comment: The VPS13B c.2590T>G variant is predicted to result in extension of the open reading frame (p.*864Glyext*25). This variant is deep intronic in alternate transcript NM_017890:c.2515+16609T>G. To our knowledge, this variant has not been reported in the literature or in a large population database (gnomAD), indicating this variant is rare. At this time, the clinical significance of this variant is uncertain due to the absence of conclusive functional and genetic evidence.

Counsyl
Classification: Likely benign for Cohen syndrome. Last evaluated: 2017-08-31. Review status: no assertion criteria provided. Collection method: clinical testing. Allele origin: unknown. Not counted in ClinVar's aggregate classification.